The following is an entry in ClinVar:

ClinVar aggregate classification (germline): Uncertain significance. Review status: criteria provided, multiple submitters, no conflicts (2 of 4 stars). 2 submissions from 2 submitters: Uncertain significance (2). Last evaluated 2025-06-09.

Conditions:
Inborn genetic diseases. Identifiers: MedGen C0950123, MeSH D030342.

Allele frequency attached by ClinVar (database versions not stated): TOPMed 0.00001.

Submissions (2):

Ambry Genetics
Classification: Uncertain significance for Inborn genetic diseases. Last evaluated: 2025-06-09. Review status: criteria provided, single submitter. Criteria: Ambry Variant Classification Scheme 2023. Collection method: clinical testing. Allele origin: germline.

Labcorp Genetics (formerly Invitae), Labcorp
Classification: Uncertain significance. Last evaluated: 2022-11-10. Review status: criteria provided, single submitter. Criteria: Invitae Variant Classification Sherloc (09022015). Collection method: clinical testing. Allele origin: germline.
Comment: This sequence change replaces histidine, which is basic and polar, with arginine, which is basic and polar, at codon 337 of the FZD4 protein (p.His337Arg). This variant is not present in population databases (gnomAD no frequency). This variant has not been reported in the literature in individuals affected with FZD4-related conditions. ClinVar contains an entry for this variant (Variation ID: 1495985). Advanced modeling of protein sequence and biophysical properties (such as structural, functional, and spatial information, amino acid conservation, physicochemical variation, residue mobility, and thermodynamic stability) performed at Invitae indicates that this missense variant is not expected to disrupt FZD4 protein function. In summary, the available evidence is currently insufficient to determine the role of this variant in disease. Therefore, it has been classified as a Variant of Uncertain Significance.

NM_012193.4(FZD4):c.1010A>G (p.His337Arg)

Genes: FZD4 (frizzled class receptor 4; minus strand), PRSS23 (serine protease 23; plus strand). Cytogenetic location: 11q14.2.
Variant type: single nucleotide variant.
Coding change: c.1010A>G on transcript NM_012193.4 (MANE Select); coding-DNA position 1010, A replaced by G.
Protein change: p.His337Arg; replaces histidine 337 with arginine.
Molecular consequence: missense variant. On other transcripts: non-coding transcript variant (2).
Genome position (GRCh38, 1-based): chr11:86,951,746, T>C on the plus strand (A>G on the coding strand, the complement: FZD4 is on the minus strand). VCF-style: chr11-86951746-T-C. GRCh37 (hg19) VCF-style: chr11-86662788-T-C.
Other names: c.1010A>G (NM_012193.3); short protein forms H337R.
Identifiers: ClinVar variation 1495985 (VCV001495985.9), dbSNP rs1949294442, ClinGen allele CA382013561.
Genomic context (GRCh38, chr11:86,951,746, plus strand): 5'-ACTGCGGGGATGGCCCAGGCTGCAATGTGGAAATAAGAGCTGTGCATTTCAATGGCTTCA[T>C]GACCCCATTTGAGTCCTGCTGCCAAAAACCAAGTGAGTGTCAGAATAACCCACCAAATGG-3'
Protein context (NP_036325.2, residues 327-347): WFLAAGLKWG[His337Arg]EAIEMHSSYF